The following is an entry in ClinVar:

NM_003334.4(UBA1):c.575G>A (p.Arg192Gln)

Gene: UBA1 (ubiquitin like modifier activating enzyme 1; plus strand). Cytogenetic location: Xp11.3.
Variant type: single nucleotide variant.
Coding change: c.575G>A on transcript NM_003334.4 (MANE Select); coding-DNA position 575, G replaced by A.
Protein change: p.Arg192Gln; replaces arginine 192 with glutamine.
Molecular consequence: missense variant.
Genome position (GRCh38, 1-based): chrX:47,200,988, G>A. VCF-style: chrX-47200988-G-A. GRCh37 (hg19) VCF-style: chrX-47060387-G-A.
Other names: c.575G>A, p.Arg192Gln (NM_153280.3); short protein forms R192Q.
Identifiers: ClinVar variation 1000575 (VCV001000575.7), dbSNP rs782068633, ClinGen allele CA329033886.

ClinVar aggregate classification (germline): Uncertain significance (1 of 4 stars; one submission).

Conditions:
Infantile-onset X-linked spinal muscular atrophy. Also called: Spinal Muscular Atrophy, X-Linked Infantile; SPINAL MUSCULAR ATROPHY, X-LINKED LETHAL INFANTILE; AMC, DISTAL, X-LINKED; ARTHROGRYPOSIS, X-LINKED, TYPE I; Spinal muscular atrophy, X-linked 2. Identifiers: Orphanet 1145, MedGen C1844934, MONDO:0010532, OMIM 301830.

Allele frequency attached by ClinVar (database versions not stated): gnomAD 0.00002; gnomAD exomes 0.00002; TOPMed 0.00003.
gnomAD v4.1: 26 of 1,196,864 alleles (0.0022%); highest among the groups gnomAD compares: Non-Finnish European, 0.0029%; no homozygotes.

Submission:

Labcorp Genetics (formerly Invitae), Labcorp
Classification: Uncertain significance for Infantile-onset X-linked spinal muscular atrophy. Last evaluated: 2023-12-21. Review status: criteria provided, single submitter. Criteria: Invitae Variant Classification Sherloc (09022015). Collection method: clinical testing. Allele origin: germline.
Comment: This sequence change replaces arginine, which is basic and polar, with glutamine, which is neutral and polar, at codon 192 of the UBA1 protein (p.Arg192Gln). The frequency data for this variant in the population databases is considered unreliable, as metrics indicate poor data quality at this position in the gnomAD database. This variant has not been reported in the literature in individuals affected with UBA1-related conditions. ClinVar contains an entry for this variant (Variation ID: 1000575). An algorithm developed to predict the effect of missense changes on protein structure and function (PolyPhen-2) suggests that this variant¬†is likely to be tolerated. In summary, the available evidence is currently insufficient to determine the role of this variant in disease. Therefore, it has been classified as a Variant of Uncertain Significance.